The following is an entry in ClinVar:

ClinVar aggregate classification (germline): Benign/Likely benign. Review status: criteria provided, multiple submitters, no conflicts (2 of 4 stars). 8 submissions from 8 submitters: Benign (5); Likely benign (2). 1 of the submissions does not count toward it. Last evaluated 2026-02-03.

Conditions:
L-2-hydroxyglutaric aciduria (L2HGA). Identifiers: Orphanet 79314, MedGen C1855995, MONDO:0009370, OMIM 236792, HP:0040144.

Allele frequency attached by ClinVar (database versions not stated): ESP Exome Variant Server 0.56319; TOPMed 0.56536; gnomAD exomes 0.56627 and 0.57400; 1000 Genomes Project 0.57268; 1000 Genomes Project 30x 0.57324; gnomAD 0.58246; ExAC 0.59991.
gnomAD v4.1: 921,307 of 1,605,690 alleles (57%); highest among the groups gnomAD compares: East Asian, 61%; 264,691 homozygotes.

Submissions (8):

Labcorp Genetics (formerly Invitae), Labcorp
Classification: Benign for L-2-hydroxyglutaric aciduria. Last evaluated: 2026-02-03. Review status: criteria provided, single submitter. Criteria: Invitae Variant Classification Sherloc (09022015). Collection method: clinical testing. Allele origin: germline.

Blueprint Genetics
Classification: Benign. Last evaluated: 2024-11-27. Review status: criteria provided, single submitter. Criteria: ACMG Guidelines, 2015. Collection method: clinical testing. Allele origin: germline.

Genome-Nilou Lab
Classification: Benign for L-2-hydroxyglutaric aciduria. Last evaluated: 2021-08-19. Review status: criteria provided, single submitter. Criteria: ACMG Guidelines, 2015. Collection method: clinical testing. Allele origin: germline. Affected: no.

GeneDx
Classification: Benign. Last evaluated: 2020-02-17. Review status: criteria provided, single submitter. Criteria: GeneDx Variant Classification Process June 2021. Collection method: clinical testing. Allele origin: germline. Affected: yes.

Athena Diagnostics
Classification: Benign. Last evaluated: 2017-04-20. Review status: criteria provided, single submitter. Criteria: Athena Diagnostics Criteria. Collection method: clinical testing. Allele origin: germline.

Genetic Services Laboratory, University of Chicago
Classification: Likely benign. Last evaluated: 2013-10-31. Review status: criteria provided, single submitter. Criteria: ACMG Guidelines, 2007. Collection method: clinical testing. Allele origin: germline. Inheritance: Autosomal recessive inheritance.
Comment: Likely benign based on allele frequency in 1000 Genomes Project or ESP global frequency and its presence in a patient with a rare or unrelated disease phenotype. NOT Sanger confirmed

Breakthrough Genomics
Classification: Likely benign. Review status: criteria provided, single submitter. Criteria: ACMG Guidelines, 2015. Collection method: not provided. Allele origin: germline. Inheritance: Autosomal recessive inheritance. Affected: yes.

Mayo Clinic Laboratories, Mayo Clinic
Classification: Benign. Last evaluated: 2016-02-19. Review status: no assertion criteria provided. Collection method: clinical testing. Allele origin: unknown. Not counted in ClinVar's aggregate classification.

NM_024884.3(L2HGDH):c.53T>G (p.Leu18Arg)

Genes: DMAC2L (distal membrane arm assembly component 2 like; plus strand), L2HGDH (L-2-hydroxyglutarate dehydrogenase; minus strand). Cytogenetic location: 14q21.3.
Variant type: single nucleotide variant.
Coding change: c.53T>G on transcript NM_024884.3 (MANE Select); coding-DNA position 53, T replaced by G.
Protein change: p.Leu18Arg; replaces leucine 18 with arginine.
Molecular consequence: missense variant.
Genome position (GRCh38, 1-based): chr14:50,312,098, A>C on the plus strand (T>G on the coding strand, the complement: L2HGDH is on the minus strand). VCF-style: chr14-50312098-A-C. GRCh37 (hg19) VCF-style: chr14-50778816-A-C.
Other names: short protein forms L18R.
Identifiers: ClinVar variation 158799 (VCV000158799.25), dbSNP rs2275591, ClinGen allele CA172454.